The following is an entry in ClinVar:

ClinVar aggregate classification (germline): Likely benign. Review status: criteria provided, multiple submitters, no conflicts (2 of 4 stars). 5 submissions from 5 submitters: Likely benign (4). 1 of the submissions does not count toward it. Last evaluated 2025-09-14.

Conditions:
Dystonia 12 (DYT12). Also called: DYT-ATP1A3; Rapid-Onset Dystonia-Parkinsonism (RDP). Identifiers: Orphanet 71517, MedGen C1868681, MONDO:0007496, OMIM 128235.
ATP1A3-related disorder. Also called: ATP1A3-related condition; ATP1A3-related disorders. Identifiers: MedGen CN381097.

Allele frequency attached by ClinVar (database versions not stated): gnomAD 0.00003; TOPMed 0.00003.
gnomAD v4.1: 84 of 1,613,994 alleles (0.0052%); highest among the groups gnomAD compares: Middle Eastern, 0.17%; 1 homozygote.

Submissions (5):

Labcorp Genetics (formerly Invitae), Labcorp
Classification: Likely benign for Dystonia 12. Last evaluated: 2025-09-14. Review status: criteria provided, single submitter. Criteria: Invitae Variant Classification Sherloc (09022015). Collection method: clinical testing. Allele origin: germline.

Genomic Medicine Center of Excellence, King Faisal Specialist Hospital and Research Centre
Classification: Likely benign. Last evaluated: 2025-08-18. Review status: criteria provided, single submitter. Criteria: ACMG Guidelines, 2015. Collection method: clinical testing. Allele origin: germline.

Blueprint Genetics
Classification: Likely benign. Last evaluated: 2024-09-27. Review status: criteria provided, single submitter. Criteria: ACMG Guidelines, 2015. Collection method: clinical testing. Allele origin: germline.

GeneDx
Classification: Likely benign. Last evaluated: 2021-01-06. Review status: criteria provided, single submitter. Criteria: GeneDx Variant Classification Process June 2021. Collection method: clinical testing. Allele origin: germline. Affected: yes.

PreventionGenetics, part of Exact Sciences
Classification: Likely benign for ATP1A3-related condition. Last evaluated: 2024-01-30. Review status: no assertion criteria provided. Collection method: clinical testing. Allele origin: germline. Not counted in ClinVar's aggregate classification.
Comment: This variant is classified as likely benign based on ACMG/AMP sequence variant interpretation guidelines (Richards et al. 2015 PMID: 25741868, with internal and published modifications).

NM_152296.5(ATP1A3):c.994-9G>A

Gene: ATP1A3 (ATPase Na+/K+ transporting subunit alpha 3; minus strand). Cytogenetic location: 19q13.2.
Variant type: single nucleotide variant.
Coding change: c.994-9G>A on transcript NM_152296.5 (MANE Select); 9 bases into the intron before coding-DNA position 994, G replaced by A.
Molecular consequence: intron variant.
Genome position (GRCh38, 1-based): chr19:41,982,115, C>T on the plus strand (G>A on the coding strand, the complement: ATP1A3 is on the minus strand). VCF-style: chr19-41982115-C-T. GRCh37 (hg19) VCF-style: chr19-42486267-C-T.
Other names: c.1033-9G>A (NM_001256214.2, NM_001256214.1); c.1027-9G>A (NM_001256213.2).
Identifiers: ClinVar variation 536480 (VCV000536480.18), dbSNP rs201175414, ClinGen allele CA9467732.